The following is an entry in ClinVar:

NM_016169.4(SUFU):c.*205G>A

Gene: SUFU (SUFU negative regulator of hedgehog signaling; plus strand). Cytogenetic location: 10q24.32.
Variant type: single nucleotide variant.
Coding change: c.*205G>A on transcript NM_016169.4 (MANE Select); 205 bases downstream of the stop codon, G replaced by A.
Molecular consequence: 3 prime UTR variant.
Genome position (GRCh38, 1-based): chr10:102,630,360, G>A. VCF-style: chr10-102630360-G-A. GRCh37 (hg19) VCF-style: chr10-104390117-G-A.
Identifiers: ClinVar variation 298578 (VCV000298578.7), dbSNP rs115428806, ClinGen allele CA10627919.
Genomic context (GRCh38, chr10:102,630,360, plus strand): 5'-GTGCCATGCACAGGCCACAGGCCCTCCACCTCACCTCCAGCTCAGGGGCCGCACCCCGCC[G>A]CTGGCTAAGCCTTGTGACCCATCAGGCCAGTGAGTGGGCAAATGCGGACCCTCCCTGCCT-3'

ClinVar aggregate classification (germline): Likely benign. Review status: criteria provided, multiple submitters, no conflicts (2 of 4 stars). 2 submissions from 2 submitters: Likely benign (2). Last evaluated 2018-06-23.

Conditions:
Medulloblastoma (MDB). Also called: Medulloblastoma, somatic; MEDULLOBLASTOMA PREDISPOSITION SYNDROME. Identifiers: Orphanet 616, MedGen C0025149, MeSH D008527, MONDO:0007959, OMIM 155255, HP:0002885.

Allele frequency attached by ClinVar (database versions not stated): gnomAD exomes 0.00119; gnomAD 0.00898 and 0.00961; 1000 Genomes Project 0.00958; 1000 Genomes Project 30x 0.00984; TOPMed 0.01020.
gnomAD v4.1: 1,922 of 608,076 alleles (0.32%); highest among the groups gnomAD compares: African/African-American, 3.2%; 26 homozygotes.

Submissions (2):

GeneDx
Classification: Likely benign. Last evaluated: 2018-06-23. Review status: criteria provided, single submitter. Criteria: GeneDx Variant Classification Process June 2021. Collection method: clinical testing. Allele origin: germline. Affected: yes.

Illumina Laboratory Services, Illumina
Classification: Likely benign for Medulloblastoma. Last evaluated: 2018-01-13. Review status: criteria provided, single submitter. Criteria: ICSL Variant Classification Criteria 13 December 2019. Collection method: clinical testing. Allele origin: germline.
Comment: This variant was observed in the ICSL laboratory as part of a predisposition screen in an ostensibly healthy population. It had not been previously curated by ICSL or reported in the Human Gene Mutation Database (HGMD: prior to June 1st, 2018), and was therefore a candidate for classification through an automated scoring system. Utilizing variant allele frequency, disease prevalence and penetrance estimates, and inheritance mode, an automated score was calculated to assess if this variant is too frequent to cause the disease. Based on the score and internal cut-off values, a variant classified as likely benign is not then subjected to further curation. The score for this variant resulted in a classification of likely benign for this disease.